The following is an entry in ClinVar:

NM_021625.5(TRPV4):c.689C>T (p.Pro230Leu)

Gene: TRPV4 (transient receptor potential cation channel subfamily V member 4; minus strand). Cytogenetic location: 12q24.11.
Variant type: single nucleotide variant.
Coding change: c.689C>T on transcript NM_021625.5 (MANE Select); coding-DNA position 689, C replaced by T.
Protein change: p.Pro230Leu; replaces proline 230 with leucine.
Molecular consequence: missense variant.
Genome position (GRCh38, 1-based): chr12:109,803,014, G>A on the plus strand (C>T on the coding strand, the complement: TRPV4 is on the minus strand). VCF-style: chr12-109803014-G-A. GRCh37 (hg19) VCF-style: chr12-110240819-G-A.
Other names: c.689C>T, p.Pro230Leu (NM_001177428.2, NM_001177433.2, NM_147204.3); c.587C>T, p.Pro196Leu (NM_001177431.2); short protein forms P230L, P196L.
Identifiers: ClinVar variation 1365326 (VCV001365326.8), dbSNP rs1890901106, ClinGen allele CA386656010.

ClinVar aggregate classification (germline): Uncertain significance (1 of 4 stars; one submission).

Conditions:
Charcot-Marie-Tooth disease axonal type 2C (HMSN2C). Also called: CHARCOT-MARIE-TOOTH DISEASE, AXONAL, AUTOSOMAL DOMINANT, TYPE 2C; Charcot-Marie-Tooth Neuropathy Type 2C; Charcot-Marie-Tooth Disease Type 2, TRPV4-Related (CMT2C). Identifiers: Orphanet 99937, MedGen C1853710, MONDO:0011633, OMIM 606071.

Allele frequency attached by ClinVar (database versions not stated): TOPMed below 0.00001.

Submission:

Labcorp Genetics (formerly Invitae), Labcorp
Classification: Uncertain significance for Charcot-Marie-Tooth disease axonal type 2C. Last evaluated: 2024-03-04. Review status: criteria provided, single submitter. Criteria: Invitae Variant Classification Sherloc (09022015). Collection method: clinical testing. Allele origin: germline.
Comment: This sequence change replaces proline, which is neutral and non-polar, with leucine, which is neutral and non-polar, at codon 230 of the TRPV4 protein (p.Pro230Leu). This variant is not present in population databases (gnomAD no frequency). This missense change has been observed in individual(s) with clinical features of spondylometaphyseal dysplasia (Invitae). ClinVar contains an entry for this variant (Variation ID: 1365326). Advanced modeling of protein sequence and biophysical properties (such as structural, functional, and spatial information, amino acid conservation, physicochemical variation, residue mobility, and thermodynamic stability) performed at Invitae indicates that this missense variant is expected to disrupt TRPV4 protein function with a positive predictive value of 95%. In summary, the available evidence is currently insufficient to determine the role of this variant in disease. Therefore, it has been classified as a Variant of Uncertain Significance.